The following is an entry in ClinVar:

NM_005591.4(MRE11):c.1351G>C (p.Glu451Gln)

Gene: MRE11 (MRE11 double strand break repair nuclease; minus strand). Cytogenetic location: 11q21.
Variant type: single nucleotide variant.
Coding change: c.1351G>C on transcript NM_005591.4 (MANE Select); coding-DNA position 1351, G replaced by C.
Protein change: p.Glu451Gln; replaces glutamic acid 451 with glutamine.
Molecular consequence: missense variant.
Genome position (GRCh38, 1-based): chr11:94,459,557, C>G on the plus strand (G>C on the coding strand, the complement: MRE11 is on the minus strand). VCF-style: chr11-94459557-C-G. GRCh37 (hg19) VCF-style: chr11-94192723-C-G.
Other names: c.1351G>C, p.Glu451Gln (NM_001330347.2, NM_005590.4); short protein forms E451Q.
Identifiers: ClinVar variation 2565888 (VCV002565888.2), dbSNP rs2134991515, ClinGen allele CA382372052.

ClinVar aggregate classification (germline): Uncertain significance (1 of 4 stars; one submission).

Conditions:
Hereditary cancer-predisposing syndrome. Also called: Neoplastic Syndromes, Hereditary; Hereditary Cancer Syndrome; Hereditary neoplastic syndrome; Tumor predisposition. Identifiers: Orphanet 140162, MedGen C0027672, MeSH D009386, MONDO:0015356.

Submission:

Ambry Genetics
Classification: Uncertain significance for Hereditary cancer-predisposing syndrome. Last evaluated: 2023-03-18. Review status: criteria provided, single submitter. Criteria: Ambry Variant Classification Scheme 2023. Collection method: clinical testing. Allele origin: germline.
Comment: The p.E451Q variant (also known as c.1351G>C), located in coding exon 12 of the MRE11A gene, results from a G to C substitution at nucleotide position 1351. The glutamic acid at codon 451 is replaced by glutamine, an amino acid with highly similar properties. This amino acid position is conserved. In addition, the in silico prediction for this alteration is inconclusive. Since supporting evidence is limited at this time, the clinical significance of this alteration remains unclear.